The following is an entry in ClinVar:

ClinVar aggregate classification (germline): Uncertain significance (1 of 4 stars; one submission).

Conditions:
BAP1-related tumor predisposition syndrome (TPDS1). Also called: COMMON Syndrome; TUMOR PREDISPOSITION SYNDROME 1; Tumor susceptibility linked to germline BAP1 mutations; BAP1 tumor predisposition syndrome. Identifiers: Orphanet 289539, MedGen C3280492, MONDO:0013692, OMIM 614327.

Submission:

Labcorp Genetics (formerly Invitae), Labcorp
Classification: Uncertain significance for BAP1-related tumor predisposition syndrome. Last evaluated: 2025-06-16. Review status: criteria provided, single submitter. Criteria: Invitae Variant Classification Sherloc (09022015). Collection method: clinical testing. Allele origin: germline.
Comment: This sequence change replaces proline, which is neutral and non-polar, with arginine, which is basic and polar, at codon 486 of the BAP1 protein (p.Pro486Arg). This variant is not present in population databases (gnomAD no frequency). This variant has not been reported in the literature in individuals affected with BAP1-related conditions. Invitae Evidence Modeling of protein sequence and biophysical properties (such as structural, functional, and spatial information, amino acid conservation, physicochemical variation, residue mobility, and thermodynamic stability) has been performed for this missense variant. However, the output from this modeling did not meet the statistical confidence thresholds required to predict the impact of this variant on BAP1 protein function. In summary, the available evidence is currently insufficient to determine the role of this variant in disease. Therefore, it has been classified as a Variant of Uncertain Significance.

NM_004656.4(BAP1):c.1457C>G (p.Pro486Arg)

Gene: BAP1 (BRCA1 associated deubiquitinase 1; minus strand). Cytogenetic location: 3p21.1.
Variant type: single nucleotide variant.
Coding change: c.1457C>G on transcript NM_004656.4 (MANE Select); coding-DNA position 1457, C replaced by G.
Protein change: p.Pro486Arg; replaces proline 486 with arginine.
Molecular consequence: missense variant.
Genome position (GRCh38, 1-based): chr3:52,403,688, G>C on the plus strand (C>G on the coding strand, the complement: BAP1 is on the minus strand). VCF-style: chr3-52403688-G-C. GRCh37 (hg19) VCF-style: chr3-52437704-G-C.
Other names: c.1403C>G, p.Pro468Arg (NM_001410772.1); short protein forms P468R, P486R.
Identifiers: ClinVar variation 4743356 (VCV004743356.1).